The following is an entry in ClinVar:

ClinVar aggregate classification (germline): Uncertain significance (1 of 4 stars; one submission).

Allele frequency attached by ClinVar (database versions not stated): gnomAD exomes below 0.00001; TOPMed below 0.00001; ExAC 0.00001.

Submission:

Labcorp Genetics (formerly Invitae), Labcorp
Classification: Uncertain significance. Last evaluated: 2025-07-28. Review status: criteria provided, single submitter. Criteria: Invitae Variant Classification Sherloc (09022015). Collection method: clinical testing. Allele origin: germline.
Comment: This sequence change replaces valine, which is neutral and non-polar, with isoleucine, which is neutral and non-polar, at codon 576 of the PHEX protein (p.Val576Ile). This variant is present in population databases (rs747692520, gnomAD 0.005%). This variant has not been reported in the literature in individuals affected with PHEX-related conditions. ClinVar contains an entry for this variant (Variation ID: 1719557). Invitae Evidence Modeling of protein sequence and biophysical properties (such as structural, functional, and spatial information, amino acid conservation, physicochemical variation, residue mobility, and thermodynamic stability) has been performed for this missense variant. However, the output from this modeling did not meet the statistical confidence thresholds required to predict the impact of this variant on PHEX protein function. In summary, the available evidence is currently insufficient to determine the role of this variant in disease. Therefore, it has been classified as a Variant of Uncertain Significance.

NM_000444.6(PHEX):c.1726G>A (p.Val576Ile)

Genes: PHEX (phosphate regulating endopeptidase X-linked; plus strand), PTCHD1-AS (PTCHD1 and PHEX antisense RNA; minus strand). Cytogenetic location: Xp22.11.
Variant type: single nucleotide variant.
Coding change: c.1726G>A on transcript NM_000444.6 (MANE Select); coding-DNA position 1726, G replaced by A.
Protein change: p.Val576Ile; replaces valine 576 with isoleucine.
Molecular consequence: missense variant.
Genome position (GRCh38, 1-based): chrX:22,219,061, G>A. VCF-style: chrX-22219061-G-A. GRCh37 (hg19) VCF-style: chrX-22237178-G-A.
Other names: c.1726G>A, p.Val576Ile (NM_001282754.2); short protein forms V576I.
Identifiers: ClinVar variation 1719557 (VCV001719557.6), dbSNP rs747692520, ClinGen allele CA10368334.